The following is an entry in ClinVar:

ClinVar aggregate classification (germline): Benign. Review status: criteria provided, multiple submitters, no conflicts (2 of 4 stars). 3 submissions from 3 submitters: Benign (3). Last evaluated 2024-07-15.

Allele frequency attached by ClinVar (database versions not stated): 1000 Genomes Project 30x 0.43004; 1000 Genomes Project 0.43331; TOPMed 0.46171; gnomAD 0.46803 and 0.46829.
gnomAD v4.1: 533,141 of 1,103,982 alleles (48%); highest among the groups gnomAD compares: Middle Eastern, 58%; 131,432 homozygotes.

Submissions (3):

Unidad de Genómica Garrahan, Hospital de Pediatría Garrahan
Classification: Benign. Last evaluated: 2024-07-15. Review status: criteria provided, single submitter. Criteria: ACMG Guidelines, 2015. Collection method: clinical testing. Allele origin: germline. Affected: no. Observed: 70 variant alleles.
Comment: This variant is classified as Benign based on local population frequency. This variant was detected in 75% of patients studied in a panel designed for Epileptic and Developmental Encephalopathy and Progressive Myoclonus Epilepsy. Number of patients: 70. Only high quality variants are reported.

GeneDx
Classification: Benign. Last evaluated: 2021-05-11. Review status: criteria provided, single submitter. Criteria: GeneDx Variant Classification Process June 2021. Collection method: clinical testing. Allele origin: germline. Affected: yes.

Breakthrough Genomics
Classification: Benign. Review status: criteria provided, single submitter. Criteria: ACMG Guidelines, 2015. Collection method: not provided. Allele origin: germline. Inheritance: Autosomal dominant inheritance. Affected: yes.

NM_005235.3(ERBB4):c.557-87A>G

Gene: ERBB4 (erb-b2 receptor tyrosine kinase 4; minus strand). Cytogenetic location: 2q34.
Variant type: single nucleotide variant.
Coding change: c.557-87A>G on transcript NM_005235.3 (MANE Select); 87 bases into the intron before coding-DNA position 557, A replaced by G.
Molecular consequence: intron variant.
Genome position (GRCh38, 1-based): chr2:211,750,791, T>C on the plus strand (A>G on the coding strand, the complement: ERBB4 is on the minus strand). VCF-style: chr2-211750791-T-C. GRCh37 (hg19) VCF-style: chr2-212615516-T-C.
Other names: c.557-87A>G (NM_001042599.2, NM_001439006.1, NM_001439005.1).
Identifiers: ClinVar variation 1247211 (VCV001247211.5), dbSNP rs6757068, ClinGen allele CA11096912.